The following is an entry in ClinVar:

ClinVar aggregate classification (germline): Pathogenic. Review status: criteria provided, multiple submitters, no conflicts (2 of 4 stars). 2 submissions from 2 submitters: Pathogenic (2). Last evaluated 2025-01-19.

Conditions:
Hereditary nonpolyposis colorectal neoplasms. Identifiers: MedGen C0009405, MeSH D003123.
Hereditary cancer-predisposing syndrome. Also called: Neoplastic Syndromes, Hereditary; Tumor predisposition; Hereditary Cancer Syndrome; Hereditary neoplastic syndrome. Identifiers: Orphanet 140162, MedGen C0027672, MeSH D009386, MONDO:0015356.

Submissions (2):

Labcorp Genetics (formerly Invitae), Labcorp
Classification: Pathogenic for Hereditary nonpolyposis colorectal neoplasms. Last evaluated: 2025-01-19. Review status: criteria provided, single submitter. Criteria: Invitae Variant Classification Sherloc (09022015). Collection method: clinical testing. Allele origin: germline.
Comment: This sequence change creates a premature translational stop signal (p.Lys1030Thrfs*21) in the MSH6 gene. It is expected to result in an absent or disrupted protein product. Loss-of-function variants in MSH6 are known to be pathogenic (PMID: 18269114, 24362816). This variant is not present in population databases (gnomAD no frequency). This variant has not been reported in the literature in individuals affected with MSH6-related conditions. ClinVar contains an entry for this variant (Variation ID: 525867). For these reasons, this variant has been classified as Pathogenic.

Ambry Genetics
Classification: Pathogenic for Hereditary cancer-predisposing syndrome. Last evaluated: 2019-02-14. Review status: criteria provided, single submitter. Criteria: Ambry Variant Classification Scheme 2023. Collection method: clinical testing. Allele origin: germline.
Comment: The c.3089_3092delAGGA pathogenic mutation, located in coding exon 4 of the MSH6 gene, results from a deletion of 4 nucleotides at nucleotide positions 3089 to 3092, causing a translational frameshift with a predicted alternate stop codon (p.K1030Tfs*21). This alteration is expected to result in loss of function by premature protein truncation or nonsense-mediated mRNA decay. As such, this alteration is interpreted as a disease-causing mutation.

Literature cited by the submitters: PubMed 18269114 (cited by Labcorp Genetics (formerly Invitae), Labcorp); PubMed 24362816 (cited by Labcorp Genetics (formerly Invitae), Labcorp).

NM_000179.3(MSH6):c.3089_3092del (p.Lys1030fs)

Gene: MSH6 (mutS homolog 6; plus strand). Cytogenetic location: 2p16.3.
Variant type: Deletion.
Coding change: c.3089_3092del on transcript NM_000179.3 (MANE Select); coding-DNA positions 3089 to 3092, 4 bases deleted (AGGA; older notation c.3089_3092delAGGA).
Protein change: p.Lys1030fs; shifts the reading frame from lysine 1030.
Molecular consequence: frameshift variant.
Genome position (GRCh38, 1-based): chr2:47,801,072-47,801,075, AGGA deleted; deleting any 4 consecutive bases within chr2:47,801,070-47,801,075 gives the same sequence; the c. name uses the placement nearest the transcript's 3' end. VCF-style (leftmost placement, unchanged base first): chr2-47801069-TGAAG-T. GRCh37 (hg19) VCF-style: chr2-48028208-TGAAG-T.
Other names: c.2699_2702del, p.Lys900fs (NM_001281492.2); c.2183_2186del, p.Lys728fs (NM_001281493.2, NM_001281494.2); c.3089_3092delAGGA (NM_000179.2); short protein forms K900fs, K1030fs, K728fs.
Identifiers: ClinVar variation 525867 (VCV000525867.9), dbSNP rs1553414488, ClinGen allele CA658795733.
Genomic context (GRCh38, chr2:47,801,069, plus strand): 5'-AAACTATTGAAAAGAAGTTGGCTAATCTCATAAATGCTGAAGAACGGAGGGATGTATCAT[TGAAG>T]GACTGCATGCGGCGACTGTTCTATAACTTTGATAAAAATTACAAGGACTGGCAGTCTGCT-3'